The following is an entry in ClinVar:

ClinVar aggregate classification (germline): Benign (1 of 4 stars; one submission).

Conditions:
Melanoma, cutaneous malignant, susceptibility to, 5. Also called: Cutaneous malignant melanoma 5. Identifiers: Orphanet 618, MedGen C2751295, MONDO:0013133, OMIM 613099.

Allele frequency attached by ClinVar (database versions not stated): TOPMed 0.00013; gnomAD 0.00015 and 0.00022; ESP Exome Variant Server 0.00025; gnomAD exomes 0.00033 and 0.00052; 1000 Genomes Project 0.00040; 1000 Genomes Project 30x 0.00047; ExAC 0.00178.

Submission:

Illumina Laboratory Services, Illumina
Classification: Benign for Melanoma, cutaneous malignant, susceptibility to, 5. Last evaluated: 2018-01-13. Review status: criteria provided, single submitter. Criteria: ICSL Variant Classification Criteria 13 December 2019. Collection method: clinical testing. Allele origin: germline.
Comment: This variant was observed in the ICSL laboratory as part of a predisposition screen in an ostensibly healthy population. It had not been previously curated by ICSL or reported in the Human Gene Mutation Database (HGMD: prior to June 1st, 2018), and was therefore a candidate for classification through an automated scoring system. Utilizing variant allele frequency, disease prevalence and penetrance estimates, and inheritance mode, an automated score was calculated to assess if this variant is too frequent to cause the disease. Based on the score and internal cut-off values, a variant classified as benign is not then subjected to further curation. The score for this variant resulted in a classification of benign for this disease.

NM_002386.4(MC1R):c.-13C>T

Gene: MC1R (melanocortin 1 receptor; plus strand). Cytogenetic location: 16q24.3.
Variant type: single nucleotide variant.
Coding change: c.-13C>T on transcript NM_002386.4 (MANE Select); 13 bases upstream of the start codon, C replaced by T.
Molecular consequence: 5 prime UTR variant.
Genome position (GRCh38, 1-based): chr16:89,919,246, C>T. VCF-style: chr16-89919246-C-T. GRCh37 (hg19) VCF-style: chr16-89985654-C-T.
Identifiers: ClinVar variation 884725 (VCV000884725.4), dbSNP rs375789795, ClinGen allele CA8255457.